The following is an entry in ClinVar:

NM_020778.5(ALPK3):c.3613C>T (p.Pro1205Ser)

Gene: ALPK3 (alpha kinase 3; plus strand). Cytogenetic location: 15q25.3.
Variant type: single nucleotide variant.
Coding change: c.3613C>T on transcript NM_020778.5 (MANE Select); coding-DNA position 3613, C replaced by T.
Protein change: p.Pro1205Ser; replaces proline 1205 with serine.
Molecular consequence: missense variant.
Genome position (GRCh38, 1-based): chr15:84,858,351, C>T. VCF-style: chr15-84858351-C-T. GRCh37 (hg19) VCF-style: chr15-85401582-C-T.
Other names: short protein forms P1205S.
Identifiers: ClinVar variation 2789183 (VCV002789183.3), dbSNP rs746732881, ClinGen allele CA7709676.

ClinVar aggregate classification (germline): Uncertain significance (1 of 4 stars; one submission).

Allele frequency attached by ClinVar (database versions not stated): gnomAD exomes below 0.00001; TOPMed 0.00001.
gnomAD v4.1: 2 of 1,554,878 alleles (0.00013%); highest among the groups gnomAD compares: Admixed American, 0.0039%; no homozygotes.

Submission:

Labcorp Genetics (formerly Invitae), Labcorp
Classification: Uncertain significance. Last evaluated: 2024-07-01. Review status: criteria provided, single submitter. Criteria: Invitae Variant Classification Sherloc (09022015). Collection method: clinical testing. Allele origin: germline.
Comment: This sequence change replaces proline, which is neutral and non-polar, with serine, which is neutral and polar, at codon 1407 of the ALPK3 protein (p.Pro1407Ser). This variant is present in population databases (rs746732881, gnomAD 0.008%). This variant has not been reported in the literature in individuals affected with ALPK3-related conditions. Algorithms developed to predict the effect of missense changes on protein structure and function output the following: SIFT: "Not Available"; PolyPhen-2: "Probably Damaging"; Align-GVGD: "Not Available". The serine amino acid residue is found in multiple mammalian species, which suggests that this missense change does not adversely affect protein function. In summary, the available evidence is currently insufficient to determine the role of this variant in disease. Therefore, it has been classified as a Variant of Uncertain Significance.